The following is an entry in ClinVar:

ClinVar aggregate classification (germline): Uncertain significance. Review status: criteria provided, multiple submitters, no conflicts (2 of 4 stars). 2 submissions from 2 submitters: Uncertain significance (2). Last evaluated 2024-11-18.

Conditions:
Hearing loss, autosomal dominant 75. Also called: DEAFNESS, AUTOSOMAL DOMINANT 75. Identifiers: MedGen C5394059, MONDO:0032911, OMIM 618778.
Developmental delay with or without dysmorphic facies and autism. Identifiers: MedGen C5193106, MONDO:0032760, OMIM 618454.

gnomAD v4.1: 3 of 1,614,158 alleles (0.00019%); highest among the groups gnomAD compares: Non-Finnish European, 0.00025%; no homozygotes.

Submissions (2):

Labcorp Genetics (formerly Invitae), Labcorp
Classification: Uncertain significance. Last evaluated: 2024-11-18. Review status: criteria provided, single submitter. Criteria: Invitae Variant Classification Sherloc (09022015). Collection method: clinical testing. Allele origin: germline.
Comment: This sequence change replaces alanine, which is neutral and non-polar, with threonine, which is neutral and polar, at codon 953 of the TRRAP protein (p.Ala953Thr). This variant is present in population databases (rs557385921, gnomAD 0.0009%). This variant has not been reported in the literature in individuals affected with TRRAP-related conditions. Invitae Evidence Modeling of protein sequence and biophysical properties (such as structural, functional, and spatial information, amino acid conservation, physicochemical variation, residue mobility, and thermodynamic stability) indicates that this missense variant is not expected to disrupt TRRAP protein function with a negative predictive value of 80%. In summary, the available evidence is currently insufficient to determine the role of this variant in disease. Therefore, it has been classified as a Variant of Uncertain Significance.

Fulgent Genetics
Classification: Uncertain significance for Developmental delay with or without dysmorphic facies and autism; Hearing loss, autosomal dominant 75. Last evaluated: 2024-04-25. Review status: criteria provided, single submitter. Criteria: ACMG Guidelines, 2015. Collection method: clinical testing. Allele origin: germline.

NM_001375524.1(TRRAP):c.2857G>A (p.Ala953Thr)

Gene: TRRAP (transformation/transcription domain associated protein; plus strand). Cytogenetic location: 7q22.1.
Variant type: single nucleotide variant.
Coding change: c.2857G>A on transcript NM_001375524.1 (MANE Select); coding-DNA position 2857, G replaced by A.
Protein change: p.Ala953Thr; replaces alanine 953 with threonine.
Molecular consequence: missense variant.
Genome position (GRCh38, 1-based): chr7:98,925,145, G>A. VCF-style: chr7-98925145-G-A. GRCh37 (hg19) VCF-style: chr7-98522768-G-A.
Other names: c.2857G>A (NM_003496.3); c.2857G>A, p.Ala953Thr (NM_001244580.2, NM_003496.4); short protein forms A953T.
Identifiers: ClinVar variation 3594976 (VCV003594976.3).
Genomic context (GRCh38, chr7:98,925,145, plus strand): 5'-TGTAGTTTCTTTGTGTCTTGGTTGTAGGCCATTGAAACTGCTCTGGACTGCCTGAAAAGC[G>A]CCAACACTGAGCCCTACTACCGGAGGCAGGCGTGGGAAGTGATCAAATGCTTCCTGGTGG-3'
Protein context (NP_001362453.1, residues 943-963): IETALDCLKS[Ala953Thr]NTEPYYRRQA